The following is an entry in ClinVar:

ClinVar aggregate classification (germline): Conflicting classifications of pathogenicity. Review status: criteria provided, conflicting classifications (1 of 4 stars). 3 submissions from 3 submitters: Uncertain significance (2); Benign (1). Last evaluated 2025-10-28.

Conditions:
Fanconi anemia complementation group O. Also called: RAD51C-Related Fanconi Anemia. Identifiers: Orphanet 84, MedGen C3150653, MONDO:0013248, OMIM 613390.
Breast-ovarian cancer, familial, susceptibility to, 3. Also called: RAD51C-Related Breast/Ovarian Cancer. Identifiers: Orphanet 145, MedGen C3150659, MONDO:0013253, OMIM 613399.
Hereditary cancer-predisposing syndrome. Also called: Hereditary neoplastic syndrome; Tumor predisposition; Hereditary Cancer Syndrome; Neoplastic Syndromes, Hereditary. Identifiers: Orphanet 140162, MedGen C0027672, MeSH D009386, MONDO:0015356.

Submissions (3):

Ambry Genetics
Classification: Benign for Hereditary cancer-predisposing syndrome. Last evaluated: 2025-10-28. Review status: criteria provided, single submitter. Criteria: Ambry Variant Classification Scheme 2023. Collection method: clinical testing. Allele origin: germline.

Labcorp Genetics (formerly Invitae), Labcorp
Classification: Uncertain significance for Fanconi anemia complementation group O. Last evaluated: 2023-08-31. Review status: criteria provided, single submitter. Criteria: Invitae Variant Classification Sherloc (09022015). Collection method: clinical testing. Allele origin: germline.
Comment: In summary, the available evidence is currently insufficient to determine the role of this variant in disease. Therefore, it has been classified as a Variant of Uncertain Significance. Advanced modeling of protein sequence and biophysical properties (such as structural, functional, and spatial information, amino acid conservation, physicochemical variation, residue mobility, and thermodynamic stability) performed at Invitae indicates that this missense variant is not expected to disrupt RAD51C protein function. ClinVar contains an entry for this variant (Variation ID: 578877). This variant has not been reported in the literature in individuals affected with RAD51C-related conditions. This variant is not present in population databases (gnomAD no frequency). This sequence change replaces histidine, which is basic and polar, with asparagine, which is neutral and polar, at codon 276 of the RAD51C protein (p.His276Asn).

Baylor Genetics
Classification: Uncertain significance for Breast-ovarian cancer, familial, susceptibility to, 3. Last evaluated: 2023-08-05. Review status: criteria provided, single submitter. Criteria: ACMG Guidelines, 2015. Collection method: clinical testing. Allele origin: unknown.

NM_058216.3(RAD51C):c.826C>A (p.His276Asn)

Gene: RAD51C (RAD51 paralog C; plus strand). Cytogenetic location: 17q22.
Variant type: single nucleotide variant.
Coding change: c.826C>A on transcript NM_058216.3 (MANE Select); coding-DNA position 826, C replaced by A.
Protein change: p.His276Asn; replaces histidine 276 with asparagine.
Molecular consequence: missense variant. On other transcripts: non-coding transcript variant (1).
Genome position (GRCh38, 1-based): chr17:58,709,979, C>A. VCF-style: chr17-58709979-C-A. GRCh37 (hg19) VCF-style: chr17-56787340-C-A.
Other names: short protein forms H276N.
Identifiers: ClinVar variation 578877 (VCV000578877.13), dbSNP rs1567799906, ClinGen allele CA400354420.